The following is an entry in ClinVar:

NM_000268.4(NF2):c.824C>T (p.Pro275Leu)

Gene: NF2 (NF2, moesin-ezrin-radixin like (MERLIN) tumor suppressor; plus strand). Cytogenetic location: 22q12.2.
Variant type: single nucleotide variant.
Coding change: c.824C>T on transcript NM_000268.4 (MANE Select); coding-DNA position 824, C replaced by T.
Protein change: p.Pro275Leu; replaces proline 275 with leucine.
Molecular consequence: missense variant. On other transcripts: non-coding transcript variant (1), intron variant (1).
Genome position (GRCh38, 1-based): chr22:29,665,003, C>T. VCF-style: chr22-29665003-C-T. GRCh37 (hg19) VCF-style: chr22-30060992-C-T.
Other names: c.824C>T, p.Pro275Leu (NM_016418.5, NM_181825.3, NM_181832.3); c.698C>T, p.Pro233Leu (NM_181828.3); c.701C>T, p.Pro234Leu (NM_181829.3); c.575C>T, p.Pro192Leu (NM_181830.3, NM_181831.3); c.447+22718C>T (NM_181833.3); c.824C>T (NM_000268.3); short protein forms P192L, P275L, P233L, P234L.
Identifiers: ClinVar variation 1445362 (VCV001445362.9), dbSNP rs2147033330, ClinGen allele CA411144554.

ClinVar aggregate classification (germline): Uncertain significance. Review status: criteria provided, multiple submitters, no conflicts (2 of 4 stars). 2 submissions from 2 submitters: Uncertain significance (2). Last evaluated 2026-07-06.

Conditions:
Hereditary cancer-predisposing syndrome. Also called: Hereditary Cancer Syndrome; Tumor predisposition; Neoplastic Syndromes, Hereditary; Hereditary neoplastic syndrome. Identifiers: Orphanet 140162, MedGen C0027672, MeSH D009386, MONDO:0015356.
Neurofibromatosis, type 2 (SWNV). Also called: SCHWANNOMATOSIS, VESTIBULAR; BILATERAL ACOUSTIC NEUROFIBROMATOSIS; NF2-Related Schwannomatosis. Identifiers: Orphanet 637, MedGen C0027832, MONDO:0007039, OMIM 101000. Disease mechanism: loss of function.

Allele frequency attached by ClinVar (database versions not stated): gnomAD exomes below 0.00001.
gnomAD v4.1: 1 of 1,611,612 alleles (0.000062%); highest among the groups gnomAD compares: Non-Finnish European, 0.000085%; no homozygotes.

Submissions (2):

Ambry Genetics
Classification: Uncertain significance for Hereditary cancer-predisposing syndrome. Last evaluated: 2026-07-06. Review status: criteria provided, single submitter. Criteria: Ambry Variant Classification Scheme 2023. Collection method: clinical testing. Allele origin: germline.
Comment: The p.P275L variant (also known as c.824C>T), located in coding exon 9 of the NF2 gene, results from a C to T substitution at nucleotide position 824. The proline at codon 275 is replaced by leucine, an amino acid with similar properties. This amino acid position is conserved. In addition, this alteration is predicted to be deleterious by in silico analysis. Based on the available evidence, the clinical significance of this variant remains unclear.

Labcorp Genetics (formerly Invitae), Labcorp
Classification: Uncertain significance for Neurofibromatosis, type 2. Last evaluated: 2023-07-08. Review status: criteria provided, single submitter. Criteria: Invitae Variant Classification Sherloc (09022015). Collection method: clinical testing. Allele origin: germline.
Comment: This variant has not been reported in the literature in individuals affected with NF2-related conditions. In summary, the available evidence is currently insufficient to determine the role of this variant in disease. Therefore, it has been classified as a Variant of Uncertain Significance. Advanced modeling of protein sequence and biophysical properties (such as structural, functional, and spatial information, amino acid conservation, physicochemical variation, residue mobility, and thermodynamic stability) performed at Invitae indicates that this missense variant is not expected to disrupt NF2 protein function. ClinVar contains an entry for this variant (Variation ID: 1445362). This variant is not present in population databases (gnomAD no frequency). This sequence change replaces proline, which is neutral and non-polar, with leucine, which is neutral and non-polar, at codon 275 of the NF2 protein (p.Pro275Leu).